The following is an entry in ClinVar:

ClinVar aggregate classification (germline): Uncertain significance. Review status: criteria provided, multiple submitters, no conflicts (2 of 4 stars). 2 submissions from 2 submitters: Uncertain significance (2). Last evaluated 2025-06-23.

Allele frequency attached by ClinVar (database versions not stated): gnomAD exomes 0.00002; ExAC 0.00004; gnomAD 0.00019; TOPMed 0.00029; ESP Exome Variant Server 0.00039; 1000 Genomes Project 0.00040; 1000 Genomes Project 30x 0.00047.
gnomAD v4.1: 65 of 1,594,830 alleles (0.0041%); highest among the groups gnomAD compares: African/African-American, 0.078%; no homozygotes.

Submissions (2):

Greenwood Genetic Center Diagnostic Laboratories, Greenwood Genetic Center
Classification: Uncertain significance. Last evaluated: 2025-06-23. Review status: criteria provided, single submitter. Criteria: ACMG Guidelines, 2015. Collection method: clinical testing. Allele origin: germline. Affected: yes.
Comment: PM2, PP3

Labcorp Genetics (formerly Invitae), Labcorp
Classification: Uncertain significance. Last evaluated: 2024-10-24. Review status: criteria provided, single submitter. Criteria: Invitae Variant Classification Sherloc (09022015). Collection method: clinical testing. Allele origin: germline.
Comment: This sequence change replaces aspartic acid, which is acidic and polar, with valine, which is neutral and non-polar, at codon 202 of the EXOSC8 protein (p.Asp202Val). This variant is present in population databases (rs139322433, gnomAD 0.08%). This variant has not been reported in the literature in individuals affected with EXOSC8-related conditions. ClinVar contains an entry for this variant (Variation ID: 2084877). Invitae Evidence Modeling of protein sequence and biophysical properties (such as structural, functional, and spatial information, amino acid conservation, physicochemical variation, residue mobility, and thermodynamic stability) indicates that this missense variant is expected to disrupt EXOSC8 protein function with a positive predictive value of 80%. In summary, the available evidence is currently insufficient to determine the role of this variant in disease. Therefore, it has been classified as a Variant of Uncertain Significance.

NM_181503.3(EXOSC8):c.605A>T (p.Asp202Val)

Gene: EXOSC8 (exosome component 8; plus strand). Cytogenetic location: 13q13.3.
Variant type: single nucleotide variant.
Coding change: c.605A>T on transcript NM_181503.3 (MANE Select); coding-DNA position 605, A replaced by T.
Protein change: p.Asp202Val; replaces aspartic acid 202 with valine.
Molecular consequence: missense variant.
Genome position (GRCh38, 1-based): chr13:37,008,174, A>T. VCF-style: chr13-37008174-A-T. GRCh37 (hg19) VCF-style: chr13-37582311-A-T.
Other names: short protein forms D202V.
Identifiers: ClinVar variation 2084877 (VCV002084877.5), dbSNP rs139322433, ClinGen allele CA6951296.